The following is an entry in ClinVar:

NM_152594.3(SPRED1):c.647T>A (p.Ile216Lys)

Gene: SPRED1 (sprouty related EVH1 domain containing 1; plus strand). Cytogenetic location: 15q14.
Variant type: single nucleotide variant.
Coding change: c.647T>A on transcript NM_152594.3 (MANE Select); coding-DNA position 647, T replaced by A.
Protein change: p.Ile216Lys; replaces isoleucine 216 with lysine.
Molecular consequence: missense variant.
Genome position (GRCh38, 1-based): chr15:38,349,486, T>A. VCF-style: chr15-38349486-T-A. GRCh37 (hg19) VCF-style: chr15-38641687-T-A.
Other names: short protein forms I216K.
Identifiers: ClinVar variation 3961389 (VCV003961389.1).

ClinVar aggregate classification (germline): Uncertain significance (1 of 4 stars; one submission).

Conditions:
Cardiovascular phenotype. Identifiers: MedGen CN230736.

Submission:

Ambry Genetics
Classification: Uncertain significance for Cardiovascular phenotype. Last evaluated: 2025-05-08. Review status: criteria provided, single submitter. Criteria: Ambry Variant Classification Scheme 2023. Collection method: clinical testing. Allele origin: germline.
Comment: The p.I216K variant (also known as c.647T>A), located in coding exon 6 of the SPRED1 gene, results from a T to A substitution at nucleotide position 647. The isoleucine at codon 216 is replaced by lysine, an amino acid with dissimilar properties. This amino acid position is conserved. In addition, this alteration is predicted to be tolerated by in silico analysis. Based on the available evidence, the clinical significance of this variant remains unclear.